The following is an entry in ClinVar:

ClinVar aggregate classification (germline): Uncertain significance (1 of 4 stars; one submission).

Allele frequency attached by ClinVar (database versions not stated): gnomAD exomes below 0.00001; TOPMed below 0.00001.
gnomAD v4.1: 1 of 1,597,428 alleles (0.000063%); highest among the groups gnomAD compares: Non-Finnish European, 0.000086%; no homozygotes.

Submission:

Labcorp Genetics (formerly Invitae), Labcorp
Classification: Uncertain significance. Last evaluated: 2024-04-11. Review status: criteria provided, single submitter. Criteria: Invitae Variant Classification Sherloc (09022015). Collection method: clinical testing. Allele origin: germline.
Comment: This sequence change falls in intron 5 of the POLE gene. It does not directly change the encoded amino acid sequence of the POLE protein. It affects a nucleotide within the consensus splice site. This variant is present in population databases (no rsID available, gnomAD 0.0009%). This variant has not been reported in the literature in individuals affected with POLE-related conditions. ClinVar contains an entry for this variant (Variation ID: 957308). Variants that disrupt the consensus splice site are a relatively common cause of aberrant splicing (PMID: 17576681, 9536098). Algorithms developed to predict the effect of sequence changes on RNA splicing suggest that this variant may disrupt the consensus splice site. In summary, the available evidence is currently insufficient to determine the role of this variant in disease. Therefore, it has been classified as a Variant of Uncertain Significance.

Literature cited by the submitters: PubMed 17576681; PubMed 9536098.

NM_006231.4(POLE):c.423+6T>A

Gene: POLE (DNA polymerase epsilon, catalytic subunit; minus strand). Cytogenetic location: 12q24.33.
Variant type: single nucleotide variant.
Coding change: c.423+6T>A on transcript NM_006231.4 (MANE Select); 6 bases into the intron after coding-DNA position 423, T replaced by A.
Molecular consequence: intron variant.
Genome position (GRCh38, 1-based): chr12:132,679,948, A>T on the plus strand (T>A on the coding strand, the complement: POLE is on the minus strand). VCF-style: chr12-132679948-A-T. GRCh37 (hg19) VCF-style: chr12-133256534-A-T.
Identifiers: ClinVar variation 957308 (VCV000957308.9), dbSNP rs1410434100, ClinGen allele CA608262869.